The following is an entry in ClinVar:

NM_000092.5(COL4A4):c.4098G>A (p.Pro1366=)

Gene: COL4A4 (collagen type IV alpha 4 chain; minus strand). Cytogenetic location: 2q36.3.
Variant type: single nucleotide variant.
Coding change: c.4098G>A on transcript NM_000092.5 (MANE Select); coding-DNA position 4098, G replaced by A.
Protein change: p.Pro1366=; no amino-acid change (proline 1366 retained).
Molecular consequence: synonymous variant.
Genome position (GRCh38, 1-based): chr2:227,022,166, C>T on the plus strand (G>A on the coding strand, the complement: COL4A4 is on the minus strand). VCF-style: chr2-227022166-C-T. GRCh37 (hg19) VCF-style: chr2-227886882-C-T.
Identifiers: ClinVar variation 514048 (VCV000514048.16), dbSNP rs772611085, ClinGen allele CA2144274.

ClinVar aggregate classification (germline): Likely benign. Review status: criteria provided, multiple submitters, no conflicts (2 of 4 stars). 4 submissions from 4 submitters: Likely benign (4). Last evaluated 2026-06-01.

Conditions:
Benign familial hematuria. Also called: thin basement membrane disease. Identifiers: MedGen C0241908, MONDO:0957317.
Autosomal recessive Alport syndrome (ATS2). Also called: ALPORT SYNDROME 2, AUTOSOMAL RECESSIVE; COL4A4 Alport Syndrome and Thin Basement Membrane Nephropathy; Alport syndrome type 2; COL4A3-Related Nephropathy. Identifiers: Orphanet 63, Orphanet 88919, MedGen C4746745, MONDO:0008762, OMIM 203780.

Allele frequency attached by ClinVar (database versions not stated): gnomAD exomes 0.00001 and 0.00003; ExAC 0.00002; gnomAD 0.00003; TOPMed 0.00005.
gnomAD v4.1: 24 of 1,613,954 alleles (0.0015%); highest among the groups gnomAD compares: Admixed American, 0.0067%; no homozygotes.

Submissions (4):

CeGaT Center for Human Genetics Tuebingen
Classification: Likely benign. Last evaluated: 2026-06-01. Review status: criteria provided, single submitter. Criteria: CeGaT Center For Human Genetics Tuebingen Variant Classification Criteria Version 2. Collection method: clinical testing. Allele origin: germline. Affected: yes. Observed: 1 variant allele.
Comment: COL4A4: BP4, BP7

Labcorp Genetics (formerly Invitae), Labcorp
Classification: Likely benign. Last evaluated: 2025-02-15. Review status: criteria provided, single submitter. Criteria: Invitae Variant Classification Sherloc (09022015). Collection method: clinical testing. Allele origin: germline.

Fulgent Genetics
Classification: Likely benign for Hematuria, benign familial, 1; Autosomal recessive Alport syndrome. Last evaluated: 2022-01-25. Review status: criteria provided, single submitter. Criteria: ACMG Guidelines, 2015. Collection method: clinical testing. Allele origin: unknown.

GeneDx
Classification: Likely benign. Last evaluated: 2021-06-25. Review status: criteria provided, single submitter. Criteria: GeneDx Variant Classification Process June 2021. Collection method: clinical testing. Allele origin: germline. Affected: yes.